The following is an entry in ClinVar:

NM_001379500.1(COL18A1):c.2523C>T (p.Pro841=)

Gene: COL18A1 (collagen type XVIII alpha 1 chain; plus strand). Cytogenetic location: 21q22.3.
Variant type: single nucleotide variant.
Coding change: c.2523C>T on transcript NM_001379500.1 (MANE Select); coding-DNA position 2523, C replaced by T.
Protein change: p.Pro841=; no amino-acid change (proline 841 retained).
Molecular consequence: synonymous variant.
Genome position (GRCh38, 1-based): chr21:45,496,514, C>T. VCF-style: chr21-45496514-C-T. GRCh37 (hg19) VCF-style: chr21-46916428-C-T.
Other names: c.3063C>T, p.Pro1021= (NM_030582.4); c.3768C>T, p.Pro1256= (NM_130444.3).
Identifiers: ClinVar variation 4996921 (VCV004996921.1).

ClinVar aggregate classification (germline): Likely benign (1 of 4 stars; one submission).

Conditions:
COL18A1-related disorder. Also called: COL18A1-related condition; COL18A1-related disorders.

gnomAD v4.1: 3 of 1,492,364 alleles (0.0002%); highest among the groups gnomAD compares: Middle Eastern, 0.034%; no homozygotes.

Submission:

PreventionGenetics, part of Exact Sciences
Classification: Likely benign for COL18A1-related condition. Last evaluated: 2025-03-18. Review status: criteria provided, single submitter. Criteria: ACMG Guidelines, 2015. Collection method: clinical testing. Allele origin: germline.
Comment: This variant is classified as likely benign based on ACMG/AMP sequence variant interpretation guidelines (Richards et al. 2015 PMID: 25741868, with internal and published modifications).